The following is an entry in ClinVar:

NM_002913.5(RFC1):c.2184G>A (p.Glu728=)

Gene: RFC1 (replication factor C subunit 1; minus strand). Cytogenetic location: 4p14.
Variant type: single nucleotide variant.
Coding change: c.2184G>A on transcript NM_002913.5 (MANE Select); coding-DNA position 2184, G replaced by A.
Protein change: p.Glu728=; no amino-acid change (glutamic acid 728 retained).
Molecular consequence: synonymous variant.
Genome position (GRCh38, 1-based): chr4:39,303,078, C>T on the plus strand (G>A on the coding strand, the complement: RFC1 is on the minus strand). VCF-style: chr4-39303078-C-T. GRCh37 (hg19) VCF-style: chr4-39304698-C-T.
Other names: c.2187G>A, p.Glu729= (NM_001204747.2); c.2106G>A, p.Glu702= (NM_001363495.2); c.2109G>A, p.Glu703= (NM_001363496.2); c.2187G>A (NM_001204747.1).
Identifiers: ClinVar variation 2578960 (VCV002578960.26), dbSNP rs17335299, ClinGen allele CA2892917.
Genomic context (GRCh38, chr4:39,303,078, plus strand): 5'-ATTATCAACAGTGAAACTGCAAAAATACAGCACTTGAATTACCTGAATTCCTCCCCTATC[C>T]TCATTGCCTGCCATGCCATCTACTTCATCCATGATGAGAGCATGTTTCGTGCTTACTGAA-3'
Protein context (NP_002904.3, residues 718-738): MDEVDGMAGN[Glu728=]DRGGIQELIG

ClinVar aggregate classification (germline): Likely benign. Review status: criteria provided, single submitter (1 of 4 stars). 2 submissions from 2 submitters: Likely benign (1). 1 of the submissions does not count toward it. Last evaluated 2026-07-01.

Conditions:
RFC1-related disorder. Also called: RFC1-related condition; RFC1-Related Disorders. Identifiers: MedGen CN382339.

Allele frequency attached by ClinVar (database versions not stated): 1000 Genomes Project 30x 0.00062; 1000 Genomes Project 0.00080; TOPMed 0.00308; gnomAD 0.00311; ESP Exome Variant Server 0.00392; ExAC 0.00400; gnomAD exomes 0.00527.
gnomAD v4.1: 8,103 of 1,613,048 alleles (0.5%); highest among the groups gnomAD compares: Non-Finnish European, 0.62%; 33 homozygotes.

Submissions (2):

CeGaT Center for Human Genetics Tuebingen
Classification: Likely benign. Last evaluated: 2026-07-01. Review status: criteria provided, single submitter. Criteria: CeGaT Center For Human Genetics Tuebingen Variant Classification Criteria Version 2. Collection method: clinical testing. Allele origin: germline. Affected: yes. Observed: 6 variant alleles.
Comment: RFC1: BP4, BP7, BS2

PreventionGenetics, part of Exact Sciences
Classification: Likely benign for RFC1-related condition. Last evaluated: 2019-11-05. Review status: no assertion criteria provided. Collection method: clinical testing. Allele origin: germline. Not counted in ClinVar's aggregate classification.
Comment: This variant is classified as likely benign based on ACMG/AMP sequence variant interpretation guidelines (Richards et al. 2015 PMID: 25741868, with internal and published modifications).